The following is an entry in ClinVar:

ClinVar aggregate classification (germline): Conflicting classifications of pathogenicity. Review status: criteria provided, conflicting classifications (1 of 4 stars). 3 submissions from 3 submitters: Uncertain significance (1); Likely benign (2). Last evaluated 2026-01-12.

Conditions:
Emery-Dreifuss muscular dystrophy 4, autosomal dominant (EDMD4). Also called: EMERY-DREIFUSS MUSCULAR DYSTROPHY 4 WITH VARIABLE FEATURES. Identifiers: Orphanet 261, MedGen C2751807, MONDO:0013071, OMIM 612998.
Autosomal recessive ataxia, Beauce type. Also called: SYNE1-Related Autosomal Recessive Cerebellar Ataxia; Spinocerebellar ataxia, autosomal recessive 8; ATAXIA, RECESSIVE, OF BEAUCE; SYNE1 Deficiency. Identifiers: Orphanet 88644, MedGen C1853116, MONDO:0012549, OMIM 610743.

Allele frequency attached by ClinVar (database versions not stated): ExAC 0.00002; gnomAD exomes 0.00006 and 0.00008; gnomAD 0.00008 and 0.00009; TOPMed 0.00009; ESP Exome Variant Server 0.00015.
gnomAD v4.1: 132 of 1,613,958 alleles (0.0082%); highest among the groups gnomAD compares: Admixed American, 0.03%; no homozygotes.

Submissions (3):

Labcorp Genetics (formerly Invitae), Labcorp
Classification: Likely benign for Emery-Dreifuss muscular dystrophy 4, autosomal dominant; Autosomal recessive ataxia, Beauce type. Last evaluated: 2026-01-12. Review status: criteria provided, single submitter. Criteria: Invitae Variant Classification Sherloc (09022015). Collection method: clinical testing. Allele origin: germline.

Mayo Clinic Laboratories, Mayo Clinic
Classification: Likely benign. Last evaluated: 2025-02-14. Review status: criteria provided, single submitter. Criteria: ACMG Guidelines, 2015. Collection method: clinical testing. Allele origin: germline. Observed: 1 variant allele.
Comment: BP4, BP7

Eurofins Ntd Llc (ga)
Classification: Uncertain significance. Last evaluated: 2017-11-14. Review status: criteria provided, single submitter. Criteria: EGL Classification Definitions 2015. Collection method: clinical testing. Allele origin: germline. Observed: 1 variant allele, 1 heterozygote.

NM_182961.4(SYNE1):c.6093C>T (p.His2031=)

Gene: SYNE1 (spectrin repeat containing nuclear envelope protein 1; minus strand). Cytogenetic location: 6q25.2.
Variant type: single nucleotide variant.
Coding change: c.6093C>T on transcript NM_182961.4 (MANE Select); coding-DNA position 6093, C replaced by T.
Protein change: p.His2031=; no amino-acid change (histidine 2031 retained).
Molecular consequence: synonymous variant.
Genome position (GRCh38, 1-based): chr6:152,413,489, G>A on the plus strand (C>T on the coding strand, the complement: SYNE1 is on the minus strand). VCF-style: chr6-152413489-G-A. GRCh37 (hg19) VCF-style: chr6-152734624-G-A.
Other names: p.His2038=; c.6114C>T, p.His2038= (NM_033071.5).
Identifiers: ClinVar variation 594859 (VCV000594859.16), dbSNP rs150072383, ClinGen allele CA4058165.